The following is an entry in ClinVar:

ClinVar aggregate classification (germline): Uncertain significance (1 of 4 stars; one submission).

Conditions:
Symmetrical dyschromatosis of extremities (DSH). Also called: RETICULATE ACROPIGMENTATION OF DOHI; SYMMETRIC DYSCHROMATOSIS OF THE EXTREMITIES; Dyschromatosis symmetrica hereditaria; DYSCHROMATOSIS SYMMETRICA HEREDITARIA 1. Identifiers: Orphanet 41, MedGen C0406775, MONDO:0007483, OMIM 127400.
Aicardi-Goutieres syndrome 6 (AGS6). Identifiers: Orphanet 51, MedGen C3539013, MONDO:0014007, OMIM 615010.

Allele frequency attached by ClinVar (database versions not stated): gnomAD exomes below 0.00001.
gnomAD v4.1: 2 of 1,614,012 alleles (0.00012%); highest among the groups gnomAD compares: Non-Finnish European, 0.00017%; no homozygotes.

Submission:

Labcorp Genetics (formerly Invitae), Labcorp
Classification: Uncertain significance for Aicardi-Goutieres syndrome 6; Symmetrical dyschromatosis of extremities. Last evaluated: 2025-04-20. Review status: criteria provided, single submitter. Criteria: Invitae Variant Classification Sherloc (09022015). Collection method: clinical testing. Allele origin: germline.
Comment: This sequence change replaces arginine, which is basic and polar, with cysteine, which is neutral and slightly polar, at codon 866 of the ADAR protein (p.Arg866Cys). This variant is not present in population databases (gnomAD no frequency). This variant has not been reported in the literature in individuals affected with ADAR-related conditions. ClinVar contains an entry for this variant (Variation ID: 2929719). Invitae Evidence Modeling of protein sequence and biophysical properties (such as structural, functional, and spatial information, amino acid conservation, physicochemical variation, residue mobility, and thermodynamic stability) has been performed for this missense variant. However, the output from this modeling did not meet the statistical confidence thresholds required to predict the impact of this variant on ADAR protein function. In summary, the available evidence is currently insufficient to determine the role of this variant in disease. Therefore, it has been classified as a Variant of Uncertain Significance.

NM_001111.5(ADAR):c.2596C>T (p.Arg866Cys)

Genes: ADAR (adenosine deaminase RNA specific; minus strand), LOC126805874 (CDK7 strongly-dependent group 2 enhancer GRCh37_chr1:154561176-154562375; plus strand). Cytogenetic location: 1q21.3.
Variant type: single nucleotide variant.
Coding change: c.2596C>T on transcript NM_001111.5 (MANE Select); coding-DNA position 2596, C replaced by T.
Protein change: p.Arg866Cys; replaces arginine 866 with cysteine.
Molecular consequence: missense variant.
Genome position (GRCh38, 1-based): chr1:154,589,829, G>A on the plus strand (C>T on the coding strand, the complement: ADAR is on the minus strand). VCF-style: chr1-154589829-G-A. GRCh37 (hg19) VCF-style: chr1-154562305-G-A.
Other names: c.1711C>T, p.Arg571Cys (NM_001025107.3, NM_001193495.2, NM_001365046.1 and 2 more transcripts); c.2623C>T, p.Arg875Cys (NM_001365045.1); c.1633C>T, p.Arg545Cys (NM_001365049.1); c.2518C>T, p.Arg840Cys (NM_015840.4); c.2461C>T, p.Arg821Cys (NM_015841.4); short protein forms R545C, R840C, R875C, R571C, R821C, R866C.
Identifiers: ClinVar variation 2929719 (VCV002929719.3), dbSNP rs2526513755, ClinGen allele CA342636894.